The following is an entry in ClinVar:

NM_003673.4(TCAP):c.278T>C (p.Ile93Thr)

Gene: TCAP (titin-cap; plus strand). Cytogenetic location: 17q12.
Variant type: single nucleotide variant.
Coding change: c.278T>C on transcript NM_003673.4 (MANE Select); coding-DNA position 278, T replaced by C.
Protein change: p.Ile93Thr; replaces isoleucine 93 with threonine.
Molecular consequence: missense variant.
Genome position (GRCh38, 1-based): chr17:39,665,883, T>C. VCF-style: chr17-39665883-T-C. GRCh37 (hg19) VCF-style: chr17-37822136-T-C.
Other names: short protein forms I93T.
Identifiers: ClinVar variation 1008136 (VCV001008136.10), dbSNP rs2057251438, ClinGen allele CA399304791.

ClinVar aggregate classification (germline): Uncertain significance (1 of 4 stars; one submission).

Conditions:
Hypertrophic cardiomyopathy 25 (CMH25). Also called: CARDIOMYOPATHY, FAMILIAL HYPERTROPHIC, 25. Identifiers: MedGen C4225408, MONDO:0011843, OMIM 607487.
Primary familial hypertrophic cardiomyopathy (HCM). Identifiers: Orphanet 99739, MedGen C0949658, MeSH D024741, MONDO:0024573. Inheritance: Various modes of inheritance.

Submission:

Labcorp Genetics (formerly Invitae), Labcorp
Classification: Uncertain significance for Hypertrophic cardiomyopathy 25; Primary familial hypertrophic cardiomyopathy. Last evaluated: 2020-01-28. Review status: criteria provided, single submitter. Criteria: Invitae Variant Classification Sherloc (09022015). Collection method: clinical testing. Allele origin: germline.
Comment: In summary, the available evidence is currently insufficient to determine the role of this variant in disease. Therefore, it has been classified as a Variant of Uncertain Significance. Algorithms developed to predict the effect of missense changes on protein structure and function are either unavailable or do not agree on the potential impact of this missense change (SIFT: "Deleterious"; PolyPhen-2: "Possibly Damaging"; Align-GVGD: "Class C0"). This variant has not been reported in the literature in individuals with TCAP-related conditions. This variant is not present in population databases (ExAC no frequency). This sequence change replaces isoleucine with threonine at codon 93 of the TCAP protein (p.Ile93Thr). The isoleucine residue is highly conserved and there is a moderate physicochemical difference between isoleucine and threonine.